The following is an entry in ClinVar:

ClinVar aggregate classification (germline): Uncertain significance (1 of 4 stars; one submission).

Submission:

Labcorp Genetics (formerly Invitae), Labcorp
Classification: Uncertain significance. Last evaluated: 2024-04-22. Review status: criteria provided, single submitter. Criteria: Invitae Variant Classification Sherloc (09022015). Collection method: clinical testing. Allele origin: germline.
Comment: This sequence change replaces isoleucine, which is neutral and non-polar, with leucine, which is neutral and non-polar, at codon 319 of the RECQL protein (p.Ile319Leu). This variant is not present in population databases (gnomAD no frequency). This variant has not been reported in the literature in individuals affected with RECQL-related conditions. ClinVar contains an entry for this variant (Variation ID: 1463608). Advanced modeling of protein sequence and biophysical properties (such as structural, functional, and spatial information, amino acid conservation, physicochemical variation, residue mobility, and thermodynamic stability) performed at Invitae indicates that this missense variant is not expected to disrupt RECQL protein function with a negative predictive value of 80%. Algorithms developed to predict the effect of sequence changes on RNA splicing suggest that this variant may create or strengthen a splice site. In summary, the available evidence is currently insufficient to determine the role of this variant in disease. Therefore, it has been classified as a Variant of Uncertain Significance.

NM_002907.4(RECQL):c.955A>T (p.Ile319Leu)

Gene: RECQL (RecQ like helicase; minus strand). Cytogenetic location: 12p12.1.
Variant type: single nucleotide variant.
Coding change: c.955A>T on transcript NM_002907.4 (MANE Select); coding-DNA position 955, A replaced by T.
Protein change: p.Ile319Leu; replaces isoleucine 319 with leucine.
Molecular consequence: missense variant.
Genome position (GRCh38, 1-based): chr12:21,475,819, T>A on the plus strand (A>T on the coding strand, the complement: RECQL is on the minus strand). VCF-style: chr12-21475819-T-A. GRCh37 (hg19) VCF-style: chr12-21628753-T-A.
Other names: c.955A>T, p.Ile319Leu (NM_032941.3); short protein forms I319L.
Identifiers: ClinVar variation 1463608 (VCV001463608.6), dbSNP rs530488411, ClinGen allele CA384122470.
Genomic context (GRCh38, chr12:21,475,819, plus strand): 5'-TTCCCAGATTCTGCAAACTAACCGTAACTTGTTCAGAGTCTTTCTGAGAAAAACAATATA[T>A]GATTCCTGCAGTAAAATATGTGCATTTGTTAGATAGATATGGCATATTCCTGGAAGATGG-3'
Protein context (NP_002898.2, residues 309-329): NGRYKGQSGI[Ile319Leu]YCFSQKDSEQ